The following is an entry in ClinVar:

ClinVar aggregate classification (germline): Likely benign. Review status: criteria provided, multiple submitters, no conflicts (2 of 4 stars). 4 submissions from 4 submitters: Likely benign (4). Last evaluated 2026-06-01.

Allele frequency attached by ClinVar (database versions not stated): gnomAD 0.00001; ExAC 0.00004; TOPMed 0.00005; gnomAD exomes 0.00009.
gnomAD v4.1: 48 of 1,613,742 alleles (0.003%); highest among the groups gnomAD compares: Middle Eastern, 0.016%; no homozygotes.

Submissions (4):

CeGaT Center for Human Genetics Tuebingen
Classification: Likely benign. Last evaluated: 2026-06-01. Review status: criteria provided, single submitter. Criteria: CeGaT Center For Human Genetics Tuebingen Variant Classification Criteria Version 2. Collection method: clinical testing. Allele origin: germline. Affected: yes. Observed: 1 variant allele.
Comment: MYO15A: BP4, BP7

Labcorp Genetics (formerly Invitae), Labcorp
Classification: Likely benign. Last evaluated: 2025-08-20. Review status: criteria provided, single submitter. Criteria: Invitae Variant Classification Sherloc (09022015). Collection method: clinical testing. Allele origin: germline.

GeneDx
Classification: Likely benign. Last evaluated: 2020-11-11. Review status: criteria provided, single submitter. Criteria: GeneDx Variant Classification Process June 2021. Collection method: clinical testing. Allele origin: germline. Affected: yes.

Laboratory for Molecular Medicine, Mass General Brigham Personalized Medicine
Classification: Likely benign. Last evaluated: 2016-10-09. Review status: criteria provided, single submitter. Criteria: LMM Criteria. Collection method: clinical testing. Allele origin: germline. Observed: 2 variant alleles.
Comment: p.Arg2204Arg in exon 30 of MYO15A: This variant is not expected to have clinical significance because it does not alter an amino acid residue and is not located within the splice consensus sequence. This variant has been identified in 2/115 50 Latino chromosomes by the Exome Aggregation Consortium (ExAC; dbSNP rs752560714).

NM_016239.4(MYO15A):c.6612C>T (p.Arg2204=)

Gene: MYO15A (myosin XVA; plus strand). Cytogenetic location: 17p11.2.
Variant type: single nucleotide variant.
Coding change: c.6612C>T on transcript NM_016239.4 (MANE Select); coding-DNA position 6612, C replaced by T.
Protein change: p.Arg2204=; no amino-acid change (arginine 2204 retained).
Molecular consequence: synonymous variant.
Genome position (GRCh38, 1-based): chr17:18,148,131, C>T. VCF-style: chr17-18148131-C-T. GRCh37 (hg19) VCF-style: chr17-18051445-C-T.
Identifiers: ClinVar variation 505333 (VCV000505333.17), dbSNP rs752560714, ClinGen allele CA8424635.